The following is an entry in ClinVar:

NM_002618.4(PEX13):c.905C>G (p.Ala302Gly)

Gene: PEX13 (peroxisomal biogenesis factor 13; plus strand). Cytogenetic location: 2p15.
Variant type: single nucleotide variant.
Coding change: c.905C>G on transcript NM_002618.4 (MANE Select); coding-DNA position 905, C replaced by G.
Protein change: p.Ala302Gly; replaces alanine 302 with glycine.
Molecular consequence: missense variant.
Genome position (GRCh38, 1-based): chr2:61,045,843, C>G. VCF-style: chr2-61045843-C-G. GRCh37 (hg19) VCF-style: chr2-61272978-C-G.
Other names: short protein forms A302G.
Identifiers: ClinVar variation 1001667 (VCV001001667.5), dbSNP rs770549469, ClinGen allele CA1673371.

ClinVar aggregate classification (germline): Uncertain significance. Review status: criteria provided, multiple submitters, no conflicts (2 of 4 stars). 2 submissions from 2 submitters: Uncertain significance (2). Last evaluated 2024-01-08.

Conditions:
Peroxisome biogenesis disorder 11A (Zellweger). Also called: Peroxisome biogenesis disorder 11A. Identifiers: Orphanet 912, MedGen C3554000, MONDO:0013949, OMIM 614883.

Allele frequency attached by ClinVar (database versions not stated): gnomAD exomes below 0.00001 and 0.00001; ExAC 0.00001.
gnomAD v4.1: 2 of 1,611,780 alleles (0.00012%); highest among the groups gnomAD compares: Non-Finnish European, 0.00017%; no homozygotes.

Submissions (2):

Blueprint Genetics
Classification: Uncertain significance. Last evaluated: 2024-01-08. Review status: criteria provided, single submitter. Criteria: ACMG Guidelines, 2015. Collection method: clinical testing. Allele origin: germline.

Labcorp Genetics (formerly Invitae), Labcorp
Classification: Uncertain significance for Peroxisome biogenesis disorder 11A (Zellweger). Last evaluated: 2022-01-13. Review status: criteria provided, single submitter. Criteria: Invitae Variant Classification Sherloc (09022015). Collection method: clinical testing. Allele origin: germline.
Comment: This sequence change replaces alanine, which is neutral and non-polar, with glycine, which is neutral and non-polar, at codon 302 of the PEX13 protein (p.Ala302Gly). This variant is present in population databases (rs770549469, gnomAD 0.002%). This variant has not been reported in the literature in individuals affected with PEX13-related conditions. ClinVar contains an entry for this variant (Variation ID: 1001667). Algorithms developed to predict the effect of missense changes on protein structure and function are either unavailable or do not agree on the potential impact of this missense change (SIFT: "Tolerated"; PolyPhen-2: "Probably Damaging"; Align-GVGD: "Class C0"). In summary, the available evidence is currently insufficient to determine the role of this variant in disease. Therefore, it has been classified as a Variant of Uncertain Significance.